The following is an entry in ClinVar:

NM_213655.5(WNK1):c.2986C>T (p.Leu996Phe)

Gene: WNK1 (WNK lysine deficient protein kinase 1; plus strand). Cytogenetic location: 12p13.33.
Variant type: single nucleotide variant.
Coding change: c.2986C>T on transcript NM_213655.5 (MANE Plus Clinical); coding-DNA position 2986, C replaced by T.
Protein change: p.Leu996Phe; replaces leucine 996 with phenylalanine.
Molecular consequence: missense variant. On other transcripts: intron variant (2).
Genome position (GRCh38, 1-based): chr12:868,457, C>T. VCF-style: chr12-868457-C-T. GRCh37 (hg19) VCF-style: chr12-977623-C-T.
Other names: c.2731C>T, p.Leu911Phe (NM_001184985.2); c.2140-2808C>T (NM_018979.4, NM_014823.3); short protein forms L996F, L911F.
Identifiers: ClinVar variation 967837 (VCV000967837.10), dbSNP rs190211240, ClinGen allele CA6382276.

ClinVar aggregate classification (germline): Uncertain significance (1 of 4 stars; one submission).

Conditions:
Neuropathy, hereditary sensory and autonomic, type 2A (HSAN2A). Also called: ACROOSTEOLYSIS, GIACCAI TYPE; ACROOSTEOLYSIS, NEUROGENIC; WNK1-Related HSAN2 (HSAN2A); HSAN IIA; MORVAN DISEASE; NEUROPATHY, CONGENITAL SENSORY. Identifiers: Orphanet 970, MedGen C2752089, MONDO:0024309, OMIM 201300.
Pseudohypoaldosteronism type 2C (PHA2C). Also called: Pseudohypoaldosteronism Type IIC. Identifiers: Orphanet 757, Orphanet 88940, MedGen C1840391, MONDO:0013778, OMIM 614492.

Allele frequency attached by ClinVar (database versions not stated): gnomAD exomes below 0.00001 and 0.00002; ExAC 0.00002; gnomAD 0.00002 and 0.00004; TOPMed 0.00003; 1000 Genomes Project 30x 0.00031; 1000 Genomes Project 0.00040.
gnomAD v4.1: 12 of 1,613,986 alleles (0.00074%); highest among the groups gnomAD compares: African/African-American, 0.015%; no homozygotes.

Submission:

Labcorp Genetics (formerly Invitae), Labcorp
Classification: Uncertain significance for Neuropathy, hereditary sensory and autonomic, type 2A; Pseudohypoaldosteronism type 2C. Last evaluated: 2024-02-04. Review status: criteria provided, single submitter. Criteria: Invitae Variant Classification Sherloc (09022015). Collection method: clinical testing. Allele origin: germline.
Comment: This sequence change replaces leucine, which is neutral and non-polar, with phenylalanine, which is neutral and non-polar, at codon 996 of the WNK1 protein (p.Leu996Phe). The frequency data for this variant in the population databases is considered unreliable, as metrics indicate poor data quality at this position in the gnomAD database. This variant has not been reported in the literature in individuals affected with WNK1-related conditions. ClinVar contains an entry for this variant (Variation ID: 967837). Advanced modeling of protein sequence and biophysical properties (such as structural, functional, and spatial information, amino acid conservation, physicochemical variation, residue mobility, and thermodynamic stability) performed at Invitae indicates that this missense variant is not expected to disrupt WNK1 protein function with a negative predictive value of 95%. In summary, the available evidence is currently insufficient to determine the role of this variant in disease. Therefore, it has been classified as a Variant of Uncertain Significance.